The following is an entry in ClinVar:

NM_002432.3(MNDA):c.520C>T (p.Pro174Ser)

Gene: MNDA (myeloid cell nuclear differentiation antigen; plus strand). Cytogenetic location: 1q23.1.
Variant type: single nucleotide variant.
Coding change: c.520C>T on transcript NM_002432.3 (MANE Select); coding-DNA position 520, C replaced by T.
Protein change: p.Pro174Ser; replaces proline 174 with serine.
Molecular consequence: missense variant.
Genome position (GRCh38, 1-based): chr1:158,844,072, C>T. VCF-style: chr1-158844072-C-T. GRCh37 (hg19) VCF-style: chr1-158813862-C-T.
Other names: short protein forms P174S.
Identifiers: ClinVar variation 1746088 (VCV001746088.2), dbSNP rs2526082009, ClinGen allele CA343039368.
Genomic context (GRCh38, chr1:158,844,072, plus strand): 5'-GAGCAGAGTAAGCCCCCAGGTCCCTCAGGAGCCAGCACATCTGCAGCTGTGGATCATCCC[C>T]CACTACCCCAGACCTCATCATCAACTCCATCCAACACTTCGTTTACTCCGGTACACTCTT-3'
Protein context (NP_002423.1, residues 164-184): ASTSAAVDHP[Pro174Ser]LPQTSSSTPS

ClinVar aggregate classification (germline): Uncertain significance (1 of 4 stars; one submission).

Allele frequency attached by ClinVar (database versions not stated): gnomAD exomes below 0.00001.
gnomAD v4.1: 1 of 1,613,102 alleles (0.000062%); highest among the groups gnomAD compares: Non-Finnish European, 0.000085%; no homozygotes.

Submission:

Ambry Genetics
Classification: Uncertain significance. Last evaluated: 2021-09-13. Review status: criteria provided, single submitter. Criteria: Ambry Variant Classification Scheme 2023. Collection method: clinical testing. Allele origin: germline.
Comment: The p.P174S variant (also known as c.520C>T), located in coding exon 3 of the MNDA gene, results from a C to T substitution at nucleotide position 520. The proline at codon 174 is replaced by serine, an amino acid with similar properties. This amino acid position is conserved. In addition, this alteration is predicted to be tolerated by in silico analysis. Since supporting evidence is limited at this time, the clinical significance of this alteration remains unclear.